The following is an entry in ClinVar:

ClinVar aggregate classification (germline): Uncertain significance (1 of 4 stars; one submission).

gnomAD v4.1: 1 of 1,605,104 alleles (0.000062%); highest among the groups gnomAD compares: Non-Finnish European, 0.000085%; no homozygotes.

Submission:

Women's Health and Genetics/Laboratory Corporation of America, LabCorp
Classification: Uncertain significance. Last evaluated: 2024-12-20. Review status: criteria provided, single submitter. Criteria: LabCorp Variant Classification Summary - May 2015. Collection method: clinical testing. Allele origin: germline.
Comment: Variant summary: CDK19 c.67G>C (p.Glu23Gln) results in a conservative amino acid change in the encoded protein sequence. Three of five in-silico tools predict a benign effect of the variant on protein function. The variant was absent in 242988 control chromosomes. The available data on variant occurrences in the general population are insufficient to allow any conclusion about variant significance. To our knowledge, no occurrence of c.67G>C in individuals affected with Developmental And Epileptic Encephalopathy, 87 and no experimental evidence demonstrating its impact on protein function have been reported. No submitters have cited clinical-significance assessments for this variant to ClinVar. Based on the evidence outlined above, the variant was classified as uncertain significance.

NM_015076.5(CDK19):c.67G>C (p.Glu23Gln)

Genes: AMD1 (adenosylmethionine decarboxylase 1; plus strand), CDK19 (cyclin dependent kinase 19; minus strand). Cytogenetic location: 6q21.
Variant type: single nucleotide variant.
Coding change: c.67G>C on transcript NM_015076.5 (MANE Select); coding-DNA position 67, G replaced by C.
Protein change: p.Glu23Gln; replaces glutamic acid 23 with glutamine.
Molecular consequence: missense variant. On other transcripts: intron variant (3).
Genome position (GRCh38, 1-based): chr6:110,815,070, C>G on the plus strand (G>C on the coding strand, the complement: CDK19 is on the minus strand). VCF-style: chr6-110815070-C-G. GRCh37 (hg19) VCF-style: chr6-111136273-C-G.
Other names: c.67G>C, p.Glu23Gln (NM_001300960.2); c.-53+738G>C (NM_001300964.2); c.-115+501G>C (NM_001300963.2); c.-98+255C>G (NM_001287215.2); short protein forms E23Q.
Identifiers: ClinVar variation 3768502 (VCV003768502.1).